The following is an entry in ClinVar:

ClinVar aggregate classification (germline): Likely benign. Review status: criteria provided, multiple submitters, no conflicts (2 of 4 stars). 5 submissions from 5 submitters: Likely benign (5). Last evaluated 2026-04-01.

Conditions:
Familial melanoma. Also called: Hereditary melanoma; Hereditary cutaneous melanoma. Identifiers: Orphanet 618, MedGen C1512419, MONDO:0018961.
Hereditary cancer-predisposing syndrome. Also called: Neoplastic Syndromes, Hereditary; Hereditary neoplastic syndrome; Tumor predisposition; Hereditary Cancer Syndrome. Identifiers: Orphanet 140162, MedGen C0027672, MeSH D009386, MONDO:0015356.

Allele frequency attached by ClinVar (database versions not stated): gnomAD exomes below 0.00001.
gnomAD v4.1: 4 of 1,612,242 alleles (0.00025%); highest among the groups gnomAD compares: South Asian, 0.0011%; no homozygotes.

Submissions (5):

CeGaT Center for Human Genetics Tuebingen
Classification: Likely benign. Last evaluated: 2026-04-01. Review status: criteria provided, single submitter. Criteria: CeGaT Center For Human Genetics Tuebingen Variant Classification Criteria Version 2. Collection method: clinical testing. Allele origin: germline. Affected: yes. Observed: 1 variant allele.
Comment: CDKN2A: BP4, BP7

Labcorp Genetics (formerly Invitae), Labcorp
Classification: Likely benign for Familial melanoma. Last evaluated: 2026-01-12. Review status: criteria provided, single submitter. Criteria: Invitae Variant Classification Sherloc (09022015). Collection method: clinical testing. Allele origin: germline.

Ambry Genetics
Classification: Likely benign for Hereditary cancer-predisposing syndrome. Last evaluated: 2021-04-28. Review status: criteria provided, single submitter. Criteria: Ambry Variant Classification Scheme 2023. Collection method: clinical testing. Allele origin: germline.

Women's Health and Genetics/Laboratory Corporation of America, LabCorp
Classification: Likely benign. Last evaluated: 2019-08-28. Review status: criteria provided, single submitter. Criteria: LabCorp Variant Classification Summary - May 2015. Collection method: clinical testing. Allele origin: germline.

GeneDx
Classification: Likely benign. Last evaluated: 2016-12-02. Review status: criteria provided, single submitter. Criteria: GeneDx Variant Classification (06012015). Collection method: clinical testing. Allele origin: germline. Affected: yes.
Comment: This variant is considered likely benign or benign based on one or more of the following criteria: it is a conservative change, it occurs at a poorly conserved position in the protein, it is predicted to be benign by multiple in silico algorithms, and/or has population frequency not consistent with disease.

NM_000077.5(CDKN2A):c.441C>A (p.Ala147=)

Gene: CDKN2A (cyclin dependent kinase inhibitor 2A; minus strand). Cytogenetic location: 9p21.3.
Variant type: single nucleotide variant.
Coding change: c.441C>A on transcript NM_000077.5; coding-DNA position 441, C replaced by A.
Protein change: p.Ala147=; no amino-acid change (alanine 147 retained).
Molecular consequence: synonymous variant (on NM_000077.6). On other transcripts: 3 prime UTR variant (2).
Genome position (GRCh38, 1-based): chr9:21,970,918, G>T on the plus strand (C>A on the coding strand, the complement: CDKN2A is on the minus strand). VCF-style: chr9-21970918-G-T. GRCh37 (hg19) VCF-style: chr9-21970917-G-T.
Other names: c.441C>A, p.Ala147= (NM_000077.6, NM_001195132.2); c.288C>A, p.Ala96= (NM_001363763.2); c.*85C>A (NM_058195.4); c.*364C>A (NM_058197.5).
Identifiers: ClinVar variation 391388 (VCV000391388.16), dbSNP rs1057524065, ClinGen allele CA16605819.